The following is an entry in ClinVar:

ClinVar aggregate classification (germline): Uncertain significance (1 of 4 stars; one submission).

Conditions:
Cardiovascular phenotype. Identifiers: MedGen CN230736.

Submission:

Ambry Genetics
Classification: Uncertain significance for Cardiovascular phenotype. Last evaluated: 2026-04-27. Review status: criteria provided, single submitter. Criteria: Ambry Variant Classification Scheme 2023. Collection method: clinical testing. Allele origin: germline.
Comment: The p.F58V variant (also known as c.172T>G), located in coding exon 2 of the SPRED1 gene, results from a T to G substitution at nucleotide position 172. The phenylalanine at codon 58 is replaced by valine, an amino acid with highly similar properties. This amino acid position is conserved. In addition, this alteration is predicted to be deleterious by in silico analysis. Based on the available evidence, the clinical significance of this variant remains unclear.

NM_152594.3(SPRED1):c.172T>G (p.Phe58Val)

Gene: SPRED1 (sprouty related EVH1 domain containing 1; plus strand). Cytogenetic location: 15q14.
Variant type: single nucleotide variant.
Coding change: c.172T>G on transcript NM_152594.3 (MANE Select); coding-DNA position 172, T replaced by G.
Protein change: p.Phe58Val; replaces phenylalanine 58 with valine.
Molecular consequence: missense variant.
Genome position (GRCh38, 1-based): chr15:38,299,512, T>G. VCF-style: chr15-38299512-T-G. GRCh37 (hg19) VCF-style: chr15-38591713-T-G.
Other names: short protein forms F58V.
Identifiers: ClinVar variation 4865028 (VCV004865028.1).